The following is an entry in ClinVar:

NM_014915.3(ANKRD26):c.2440G>A (p.Glu814Lys)

Gene: ANKRD26 (ankyrin repeat domain 26; minus strand). Cytogenetic location: 10p12.1.
Variant type: single nucleotide variant.
Coding change: c.2440G>A on transcript NM_014915.3 (MANE Select); coding-DNA position 2440, G replaced by A.
Protein change: p.Glu814Lys; replaces glutamic acid 814 with lysine.
Molecular consequence: missense variant.
Genome position (GRCh38, 1-based): chr10:27,037,990, C>T on the plus strand (G>A on the coding strand, the complement: ANKRD26 is on the minus strand). VCF-style: chr10-27037990-C-T. GRCh37 (hg19) VCF-style: chr10-27326919-C-T.
Other names: c.2437G>A, p.Glu813Lys (NM_001256053.2); short protein forms E813K, E814K.
Identifiers: ClinVar variation 4826414 (VCV004826414.1).
Genomic context (GRCh38, chr10:27,037,990, plus strand): 5'-CAAGCTGTTGTTTCACTTCAACTTCTTTCCTATATTGCTCTTCTTTTCTTCTTAACTGTT[C>T]CCTAATTTTTTCATACAACGTATCAGCATTTCTTCTCTTCTCTTCTTCTTGGTTTAAGCT-3'
Protein context (NP_055730.2, residues 804-824): NADTLYEKIR[Glu814Lys]QLRRKEEQYR

ClinVar aggregate classification (germline): Uncertain significance (1 of 4 stars; one submission).

Conditions:
Inborn genetic diseases. Identifiers: MedGen C0950123, MeSH D030342.

Submission:

Ambry Genetics
Classification: Uncertain significance for Inborn genetic diseases. Last evaluated: 2026-03-03. Review status: criteria provided, single submitter. Criteria: Ambry Variant Classification Scheme 2023. Collection method: clinical testing. Allele origin: germline.
Comment: The p.E814K variant (also known as c.2440G>A), located in coding exon 22 of the ANKRD26 gene, results from a G to A substitution at nucleotide position 2440. The glutamic acid at codon 814 is replaced by lysine, an amino acid with similar properties. This amino acid position is conserved. In addition, this alteration is predicted to be tolerated by in silico analysis. Based on the available evidence, the clinical significance of this variant remains unclear.